The following is an entry in ClinVar:

NM_000235.4(LIPA):c.529_530del (p.Thr177fs)

Gene: LIPA (lipase A, lysosomal acid type; minus strand). Cytogenetic location: 10q23.31.
Variant type: Deletion.
Coding change: c.529_530del on transcript NM_000235.4 (MANE Select); coding-DNA positions 529 to 530, 2 bases deleted (AC; older notation c.529_530delAC).
Protein change: p.Thr177fs; shifts the reading frame from threonine 177.
Molecular consequence: frameshift variant.
Genome position (GRCh38, 1-based): chr10:89,226,903-89,226,904, GT deleted on the plus strand (AC on the coding strand, the reverse complement: LIPA is on the minus strand); deleting any 2 consecutive bases within chr10:89,226,903-89,226,905 gives the same sequence; the c. name uses the placement nearest the transcript's 3' end. VCF-style (leftmost placement, unchanged base first): chr10-89226902-GGT-G. GRCh37 (hg19) VCF-style: chr10-90986659-GGT-G.
Other names: c.529_530del, p.Thr177fs (NM_001127605.3); c.181_182del, p.Thr61fs (NM_001288979.2); short protein forms T177fs, T61fs.
Identifiers: ClinVar variation 3347629 (VCV003347629.1).

ClinVar aggregate classification (germline): Likely pathogenic (0 of 4 stars; one submission).

Conditions:
LIPA-related disorder. Also called: LIPA-related condition; LIPA-related disorders.

Submission:

PreventionGenetics, part of Exact Sciences
Classification: Likely pathogenic for LIPA-related condition. Last evaluated: 2024-07-12. Review status: no assertion criteria provided. Collection method: clinical testing. Allele origin: germline.
Comment: The LIPA c.529_530delAC variant is predicted to result in a frameshift and premature protein termination (p.Thr177Hisfs*12). To our knowledge, this variant has not been reported in the literature or in a large population database, indicating this variant is rare. Frameshift variants in LIPA are expected to be pathogenic. This variant is interpreted as likely pathogenic.